The following is an entry in ClinVar:

ClinVar aggregate classification (germline): Likely benign. Review status: criteria provided, multiple submitters, no conflicts (2 of 4 stars). 4 submissions from 4 submitters: Likely benign (4). Last evaluated 2026-02-01.

Conditions:
Inborn genetic diseases. Identifiers: MedGen C0950123, MeSH D030342.
Fanconi anemia (FA). Also called: Fanconi's anemia. Identifiers: Orphanet 84, MedGen C0015625, MeSH D005199, MONDO:0019391.

Allele frequency attached by ClinVar (database versions not stated): gnomAD exomes 0.00002 and 0.00003; gnomAD 0.00003; TOPMed 0.00003; ExAC 0.00004; ESP Exome Variant Server 0.00008; 1000 Genomes Project 30x 0.00016; 1000 Genomes Project 0.00020.

Submissions (4):

CeGaT Center for Human Genetics Tuebingen
Classification: Likely benign. Last evaluated: 2026-02-01. Review status: criteria provided, single submitter. Criteria: CeGaT Center For Human Genetics Tuebingen Variant Classification Criteria Version 2. Collection method: clinical testing. Allele origin: germline. Affected: yes. Observed: 1 variant allele.
Comment: FANCG: BP4, BP7

Labcorp Genetics (formerly Invitae), Labcorp
Classification: Likely benign for Fanconi anemia. Last evaluated: 2026-01-25. Review status: criteria provided, single submitter. Criteria: Invitae Variant Classification Sherloc (09022015). Collection method: clinical testing. Allele origin: germline.

Ambry Genetics
Classification: Likely benign for Inborn genetic diseases. Last evaluated: 2024-11-18. Review status: criteria provided, single submitter. Criteria: Ambry Variant Classification Scheme 2023. Collection method: clinical testing. Allele origin: germline.

Blueprint Genetics
Classification: Likely benign. Last evaluated: 2024-04-23. Review status: criteria provided, single submitter. Criteria: ACMG Guidelines, 2015. Collection method: clinical testing. Allele origin: germline.

NM_004629.2(FANCG):c.927C>T (p.Ala309=)

Gene: FANCG (FA complementation group G; minus strand). Cytogenetic location: 9p13.3.
Variant type: single nucleotide variant.
Coding change: c.927C>T on transcript NM_004629.2 (MANE Select); coding-DNA position 927, C replaced by T.
Protein change: p.Ala309=; no amino-acid change (alanine 309 retained).
Molecular consequence: synonymous variant.
Genome position (GRCh38, 1-based): chr9:35,076,581, G>A on the plus strand (C>T on the coding strand, the complement: FANCG is on the minus strand). VCF-style: chr9-35076581-G-A. GRCh37 (hg19) VCF-style: chr9-35076578-G-A.
Other names: c.927C>T (NM_004629.1).
Identifiers: ClinVar variation 1080176 (VCV001080176.15), dbSNP rs370002843, ClinGen allele CA5039887.